The following is an entry in ClinVar:

ClinVar aggregate classification (germline): Uncertain significance. Review status: criteria provided, multiple submitters, no conflicts (2 of 4 stars). 2 submissions from 2 submitters: Uncertain significance (2). Last evaluated 2025-06-23.

Conditions:
Cardiomyopathy (CMYO). Also called: Cardiomyopathies. Identifiers: Orphanet 167848, MedGen C0878544, MONDO:0004994, HP:0001638. Inheritance: Various modes of inheritance.
Cardiovascular phenotype. Identifiers: MedGen CN230736.

gnomAD v4.1: 1 of 1,468,002 alleles (0.000068%); highest among the groups gnomAD compares: Non-Finnish European, 0.00009%; no homozygotes.

Submissions (2):

Color Diagnostics, LLC DBA Color Health
Classification: Uncertain significance for Cardiomyopathy. Last evaluated: 2025-06-23. Review status: criteria provided, single submitter. Criteria: ACMG Guidelines, 2015. Collection method: clinical testing. Allele origin: germline.
Comment: This missense variant replaces proline with leucine at codon 4 of the PKP2 protein. Computational prediction suggests that this variant may not impact protein structure and function. To our knowledge, functional studies have not been reported for this variant. This variant has not been reported in individuals affected with PKP2-related disorders in the literature. This variant has not been identified in the general population by the Genome Aggregation Database (gnomAD). The available evidence is insufficient to determine the role of this variant in disease conclusively. Therefore, this variant is classified as a Variant of Uncertain Significance.

Ambry Genetics
Classification: Uncertain significance for Cardiovascular phenotype. Last evaluated: 2024-12-20. Review status: criteria provided, single submitter. Criteria: Ambry Variant Classification Scheme 2023. Collection method: clinical testing. Allele origin: germline.
Comment: The p.P4L variant (also known as c.11C>T), located in coding exon 1 of the PKP2 gene, results from a C to T substitution at nucleotide position 11. The proline at codon 4 is replaced by leucine, an amino acid with similar properties. This amino acid position is conserved. In addition, this alteration is predicted to be tolerated by in silico analysis. Based on the available evidence, the clinical significance of this variant remains unclear.

NM_001005242.3(PKP2):c.11C>T (p.Pro4Leu)

Gene: PKP2 (plakophilin 2; minus strand). Cytogenetic location: 12p11.21.
Variant type: single nucleotide variant.
Coding change: c.11C>T on transcript NM_001005242.3 (MANE Select); coding-DNA position 11, C replaced by T.
Protein change: p.Pro4Leu; replaces proline 4 with leucine.
Molecular consequence: missense variant. On other transcripts: 5 prime UTR variant (4).
Genome position (GRCh38, 1-based): chr12:32,896,721, G>A on the plus strand (C>T on the coding strand, the complement: PKP2 is on the minus strand). VCF-style: chr12-32896721-G-A. GRCh37 (hg19) VCF-style: chr12-33049655-G-A.
Other names: c.11C>T, p.Pro4Leu (NM_001407155.1, NM_001407156.1, NM_001407157.1 and 2 more transcripts); c.-816C>T (NM_001407158.1, NM_001407162.1); c.-580C>T (NM_001407159.1, NM_001407160.1); short protein forms P4L.
Identifiers: ClinVar variation 3889643 (VCV003889643.2).